The following is an entry in ClinVar:

ClinVar aggregate classification (germline): Uncertain significance (1 of 4 stars; one submission).

Conditions:
Cardiovascular phenotype. Identifiers: MedGen CN230736.

gnomAD v4.1: 1 of 1,614,032 alleles (0.000062%); highest among the groups gnomAD compares: Non-Finnish European, 0.000085%; no homozygotes.

Submission:

Ambry Genetics
Classification: Uncertain significance for Cardiovascular phenotype. Last evaluated: 2026-02-19. Review status: criteria provided, single submitter. Criteria: Ambry Variant Classification Scheme 2023. Collection method: clinical testing. Allele origin: germline.
Comment: The p.D2123N variant (also known as c.6367G>A), located in coding exon 38 of the ANK2 gene, results from a G to A substitution at nucleotide position 6367. The aspartic acid at codon 2123 is replaced by asparagine, an amino acid with highly similar properties. This amino acid position is conserved. In addition, this alteration is predicted to be tolerated by in silico analysis. Based on the available evidence, the clinical significance of this variant remains unclear.

NM_001148.6(ANK2):c.6367G>A (p.Asp2123Asn)

Gene: ANK2 (ankyrin 2; plus strand). Cytogenetic location: 4q26.
Variant type: single nucleotide variant.
Coding change: c.6367G>A on transcript NM_001148.6 (MANE Select); coding-DNA position 6367, G replaced by A.
Protein change: p.Asp2123Asn; replaces aspartic acid 2123 with asparagine.
Molecular consequence: missense variant. On other transcripts: intron variant (68).
Genome position (GRCh38, 1-based): chr4:113,354,985, G>A. VCF-style: chr4-113354985-G-A. GRCh37 (hg19) VCF-style: chr4-114276141-G-A.
Other names: c.4411+4736G>A (NM_001386148.2, NM_001386186.2); c.4213+4736G>A (NM_001354269.3); c.4291+4736G>A (NM_001386187.2); c.4252+4736G>A (NM_001386147.1); c.4270+4736G>A (NM_001386160.1); c.4375+4736G>A (NM_001354254.2); c.4396+4736G>A (NM_001354239.2, NM_001354252.2); c.4297+4736G>A (NM_001354272.2); and 35 more; short protein forms D2170N, D923N, D2123N, D2162N, D2045N.
Identifiers: ClinVar variation 4824187 (VCV004824187.1).